The following is an entry in ClinVar:

NM_002087.4(GRN):c.1327G>C (p.Gly443Arg)

Gene: GRN (granulin precursor; plus strand). Cytogenetic location: 17q21.31.
Variant type: single nucleotide variant.
Coding change: c.1327G>C on transcript NM_002087.4 (MANE Select); coding-DNA position 1327, G replaced by C.
Protein change: p.Gly443Arg; replaces glycine 443 with arginine.
Molecular consequence: missense variant.
Genome position (GRCh38, 1-based): chr17:44,352,162, G>C. VCF-style: chr17-44352162-G-C. GRCh37 (hg19) VCF-style: chr17-42429530-G-C.
Other names: short protein forms G443R.
Identifiers: ClinVar variation 2198134 (VCV002198134.4), dbSNP rs773442774, ClinGen allele CA399768975.
Genomic context (GRCh38, chr17:44,352,162, plus strand): 5'-GTGGCTGGACTGGAGAAGATGCCTGCCCGCCGGGCTTCCTTATCCCACCCCAGAGACATC[G>C]GCTGTGACCAGCACACCAGCTGCCCGGTGGGGCAGACCTGCTGCCCGAGCCTGGGTGGGA-3'
Protein context (NP_002078.1, residues 433-453): RASLSHPRDI[Gly443Arg]CDQHTSCPVG

ClinVar aggregate classification (germline): Uncertain significance (1 of 4 stars; one submission).

Conditions:
GRN-related frontotemporal lobar degeneration with Tdp43 inclusions (FTD2). Also called: DEMENTIA, HEREDITARY DYSPHASIC DISINHIBITION; FRONTOTEMPORAL LOBAR DEGENERATION WITH UBIQUITIN-POSITIVE INCLUSIONS; FTLD-TDP, GRN-RELATED; GRN Frontotemporal Dementia; FRONTOTEMPORAL DEMENTIA WITH TDP43 INCLUSIONS, GRN-RELATED. Identifiers: Orphanet 100070, Orphanet 282, MedGen C1843792, MONDO:0011842, OMIM 607485. Disease mechanism: loss of function.
Neuronal ceroid lipofuscinosis 11. Also called: GRN-Related Neuronal Ceroid-Lipofuscinosis. Identifiers: Orphanet 314629, Orphanet 79262, MedGen C3539123, MONDO:0013866, OMIM 614706.

Submission:

Labcorp Genetics (formerly Invitae), Labcorp
Classification: Uncertain significance for Neuronal ceroid lipofuscinosis 11; GRN-related frontotemporal lobar degeneration with Tdp43 inclusions. Last evaluated: 2022-09-06. Review status: criteria provided, single submitter. Criteria: Invitae Variant Classification Sherloc (09022015). Collection method: clinical testing. Allele origin: germline.
Comment: This variant has not been reported in the literature in individuals affected with GRN-related conditions. In summary, the available evidence is currently insufficient to determine the role of this variant in disease. Therefore, it has been classified as a Variant of Uncertain Significance. Algorithms developed to predict the effect of missense changes on protein structure and function (SIFT, PolyPhen-2, Align-GVGD) all suggest that this variant is likely to be tolerated. This variant is not present in population databases (gnomAD no frequency). This sequence change replaces glycine, which is neutral and non-polar, with arginine, which is basic and polar, at codon 443 of the GRN protein (p.Gly443Arg).